The following is an entry in ClinVar:

ClinVar aggregate classification (germline): Benign (0 of 4 stars; one submission).

Conditions:
ACTN3-related disorder. Also called: ACTN3-related condition.

Allele frequency attached by ClinVar (database versions not stated): gnomAD exomes 0.00069; ExAC 0.00206; 1000 Genomes Project 30x 0.00437; 1000 Genomes Project 0.00499; gnomAD 0.00531; TOPMed 0.00546; ESP Exome Variant Server 0.00607.
gnomAD v4.1: 1,828 of 1,604,884 alleles (0.11%); highest among the groups gnomAD compares: African/African-American, 1.7%; 11 homozygotes.

Submission:

PreventionGenetics, part of Exact Sciences
Classification: Benign for ACTN3-related condition. Last evaluated: 2019-04-11. Review status: no assertion criteria provided. Collection method: clinical testing. Allele origin: germline.
Comment: This variant is classified as benign based on ACMG/AMP sequence variant interpretation guidelines (Richards et al. 2015 PMID: 25741868, with internal and published modifications).

NM_001104.4(ACTN3):c.1678-8G>A

Gene: ACTN3 (actinin alpha 3; plus strand). Cytogenetic location: 11q13.2.
Variant type: single nucleotide variant.
Coding change: c.1678-8G>A on transcript NM_001104.4 (MANE Select); 8 bases into the intron before coding-DNA position 1678, G replaced by A.
Molecular consequence: intron variant.
Genome position (GRCh38, 1-based): chr11:66,560,565, G>A. VCF-style: chr11-66560565-G-A. GRCh37 (hg19) VCF-style: chr11-66328036-G-A.
Other names: c.1807-8G>A (NM_001258371.3).
Identifiers: ClinVar variation 3040625 (VCV003040625.2), dbSNP rs77271331, ClinGen allele CA6124826.